The following is an entry in ClinVar:

ClinVar aggregate classification (germline): Uncertain significance (1 of 4 stars; one submission).

Conditions:
Hereditary cancer-predisposing syndrome. Also called: Neoplastic Syndromes, Hereditary; Hereditary neoplastic syndrome; Hereditary Cancer Syndrome; Tumor predisposition. Identifiers: Orphanet 140162, MedGen C0027672, MeSH D009386, MONDO:0015356.

Submission:

Labcorp Genetics (formerly Invitae), Labcorp
Classification: Uncertain significance for Hereditary cancer-predisposing syndrome. Last evaluated: 2023-04-20. Review status: criteria provided, single submitter. Criteria: Invitae Variant Classification Sherloc (09022015). Collection method: clinical testing. Allele origin: germline.
Comment: In summary, the available evidence is currently insufficient to determine the role of this variant in disease. Therefore, it has been classified as a Variant of Uncertain Significance. Advanced modeling of protein sequence and biophysical properties (such as structural, functional, and spatial information, amino acid conservation, physicochemical variation, residue mobility, and thermodynamic stability) performed at Invitae indicates that this missense variant is expected to disrupt RAD50 protein function. This variant has not been reported in the literature in individuals affected with RAD50-related conditions. This variant is not present in population databases (gnomAD no frequency). This sequence change replaces serine, which is neutral and polar, with tyrosine, which is neutral and polar, at codon 878 of the RAD50 protein (p.Ser878Tyr).

NM_005732.4(RAD50):c.2633C>A (p.Ser878Tyr)

Gene: RAD50 (RAD50 double strand break repair protein; plus strand). Cytogenetic location: 5q31.1.
Variant type: single nucleotide variant.
Coding change: c.2633C>A on transcript NM_005732.4 (MANE Select); coding-DNA position 2633, C replaced by A.
Protein change: p.Ser878Tyr; replaces serine 878 with tyrosine.
Molecular consequence: missense variant.
Genome position (GRCh38, 1-based): chr5:132,604,914, C>A. VCF-style: chr5-132604914-C-A. GRCh37 (hg19) VCF-style: chr5-131940606-C-A.
Other names: short protein forms S878Y.
Identifiers: ClinVar variation 2979085 (VCV002979085.3), dbSNP rs2149847793, ClinGen allele CA360956658.